The following is an entry in ClinVar:

ClinVar aggregate classification (germline): Uncertain significance (1 of 4 stars; one submission).

Conditions:
X-linked intellectual disability Cabezas type (MRXSC). Also called: CABEZAS SYNDROME; MENTAL RETARDATION, X-LINKED, SYNDROMIC 15; Intellectual developmental disorder, X-linked syndromic, Cabezas type. Identifiers: Orphanet 85289, Orphanet 85293, MedGen C1845861, MONDO:0010306, OMIM 300354.

Allele frequency attached by ClinVar (database versions not stated): gnomAD exomes below 0.00001; ExAC 0.00001.
gnomAD v4.1: 1 of 1,209,520 alleles (0.000083%); highest among the groups gnomAD compares: Admixed American, 0.0022%; no homozygotes.

Submission:

Labcorp Genetics (formerly Invitae), Labcorp
Classification: Uncertain significance for X-linked intellectual disability Cabezas type. Last evaluated: 2021-12-29. Review status: criteria provided, single submitter. Criteria: Invitae Variant Classification Sherloc (09022015). Collection method: clinical testing. Allele origin: germline.
Comment: Algorithms developed to predict the effect of missense changes on protein structure and function (SIFT, PolyPhen-2, Align-GVGD) all suggest that this variant is likely to be tolerated. This variant has not been reported in the literature in individuals affected with CUL4B-related conditions. This variant is present in population databases (rs747997744, gnomAD 0.004%). This sequence change replaces serine, which is neutral and polar, with leucine, which is neutral and non-polar, at codon 93 of the CUL4B protein (p.Ser93Leu). In summary, the available evidence is currently insufficient to determine the role of this variant in disease. Therefore, it has been classified as a Variant of Uncertain Significance.

NM_001079872.2(CUL4B):c.224C>T (p.Ser75Leu)

Genes: CUL4B (cullin 4B; minus strand), LOC113845788 (Sharpr-MPRA regulatory region 11856; plus strand). Cytogenetic location: Xq24.
Variant type: single nucleotide variant.
Coding change: c.224C>T on transcript NM_001079872.2 (MANE Select); coding-DNA position 224, C replaced by T.
Protein change: p.Ser75Leu; replaces serine 75 with leucine.
Molecular consequence: missense variant.
Genome position (GRCh38, 1-based): chrX:120,560,415, G>A on the plus strand (C>T on the coding strand, the complement: CUL4B is on the minus strand). VCF-style: chrX-120560415-G-A. GRCh37 (hg19) VCF-style: chrX-119694270-G-A.
Other names: c.239C>T, p.Ser80Leu (NM_001330624.2); c.278C>T, p.Ser93Leu (NM_003588.4); short protein forms S75L, S93L, S80L.
Identifiers: ClinVar variation 1897074 (VCV001897074.5), dbSNP rs747997744, ClinGen allele CA10505729.